The following is an entry in ClinVar:

ClinVar aggregate classification (germline): Uncertain significance. Review status: criteria provided, multiple submitters, no conflicts (2 of 4 stars). 2 submissions from 2 submitters: Uncertain significance (2). Last evaluated 2025-12-01.

Conditions:
Aicardi-Goutieres syndrome 7 (AGS7). Identifiers: Orphanet 51, MedGen C3888244, MONDO:0014367, OMIM 615846.
Singleton-Merten syndrome 1 (SGMRT1). Also called: Widened medullary cavities of bone, aortic calcification, abnormal dentition, and muscular weakness; Syndrome of widened medullary cavities of the metacarpals and phalanges, aortic calcification and abnormal dentition. Identifiers: Orphanet 85191, MedGen C4225427, MONDO:0024535, OMIM 182250.
Immunodeficiency 95 (IMD95). Identifiers: MedGen C5676929, MONDO:0030692, OMIM 619773.

Allele frequency attached by ClinVar (database versions not stated): gnomAD exomes below 0.00001; TOPMed below 0.00001; ExAC 0.00001.
gnomAD v4.1: 4 of 1,577,548 alleles (0.00025%); highest among the groups gnomAD compares: Non-Finnish European, 0.00034%; no homozygotes.

Submissions (2):

Labcorp Genetics (formerly Invitae), Labcorp
Classification: Uncertain significance for Aicardi-Goutieres syndrome 7; Singleton-Merten syndrome 1. Last evaluated: 2025-12-01. Review status: criteria provided, single submitter. Criteria: Invitae Variant Classification Sherloc (09022015). Collection method: clinical testing. Allele origin: germline.
Comment: This sequence change affects a donor splice site in intron 12 of the IFIH1 gene. It is expected to disrupt RNA splicing. Variants that disrupt the donor or acceptor splice site typically lead to a loss of protein function (PMID: 16199547), however the current clinical and genetic evidence is not sufficient to establish whether loss-of-function variants in IFIH1 cause disease. The frequency data for this variant in the population databases is considered unreliable, as metrics indicate poor data quality at this position in the gnomAD database. This variant has not been reported in the literature in individuals affected with IFIH1-related conditions. ClinVar contains an entry for this variant (Variation ID: 1361425). Algorithms developed to predict the effect of sequence changes on RNA splicing suggest that this variant may disrupt the consensus splice site. In summary, the available evidence is currently insufficient to determine the role of this variant in disease. Therefore, it has been classified as a Variant of Uncertain Significance.

Fulgent Genetics
Classification: Uncertain significance for Singleton-Merten syndrome 1; Aicardi-Goutieres syndrome 7; Immunodeficiency 95. Last evaluated: 2022-02-08. Review status: criteria provided, single submitter. Criteria: ACMG Guidelines, 2015. Collection method: clinical testing. Allele origin: unknown.

Literature cited by the submitters: PubMed 16199547 (cited by Labcorp Genetics (formerly Invitae), Labcorp).

NM_022168.4(IFIH1):c.2454+1G>T

Gene: IFIH1 (interferon induced with helicase C domain 1; minus strand). Cytogenetic location: 2q24.2.
Variant type: single nucleotide variant.
Coding change: c.2454+1G>T on transcript NM_022168.4 (MANE Select); the canonical splice donor site of the intron after coding-DNA position 2454, G replaced by T.
Molecular consequence: splice donor variant.
Genome position (GRCh38, 1-based): chr2:162,273,794, C>A on the plus strand (G>T on the coding strand, the complement: IFIH1 is on the minus strand). VCF-style: chr2-162273794-C-A. GRCh37 (hg19) VCF-style: chr2-163130304-C-A.
Identifiers: ClinVar variation 1361425 (VCV001361425.9), dbSNP rs778780074, ClinGen allele CA1934188.
Genomic context (GRCh38, chr2:162,273,794, plus strand): 5'-AATTAAAATAGGAACACAACAAATAAAAATTAACATAGTAAGTAGAGGTATTTGAATGTA[C>A]CTGGACCATGGCTATTTCATTGGTGACGAGACCATAACGGATAACAATGTTACATTCTTT-3'